The following is an entry in ClinVar:

ClinVar aggregate classification (germline): Uncertain significance (1 of 4 stars; one submission).

Allele frequency attached by ClinVar (database versions not stated): gnomAD exomes below 0.00001.
gnomAD v4.1: 2 of 1,612,784 alleles (0.00012%); highest among the groups gnomAD compares: Non-Finnish European, 0.00017%; no homozygotes.

Submission:

GeneDx
Classification: Uncertain significance. Last evaluated: 2014-05-07. Review status: criteria provided, single submitter. Criteria: GeneDx Variant Classification (06012015). Collection method: clinical testing. Allele origin: germline. Affected: yes.
Comment: p.Thr24Ala (T24A): c.70 A>G. The T24A variant has not been published as a mutation, nor has it been reported as a benign polymorphism to our knowledge. It was not observed in approximately 6,500 individuals of European and African American ancestry in the NHLBI Exome Sequencing Project, indicating it is not a common benign variant in these populations. The T24A variant is a non-conservative amino acid substitution, which is likely to impact secondary protein structure as these residues differ in polarity, charge, size and/or other properties. This substitution occurs at a position that is conserved across mammals in the signal peptide of the GABRG2 protein. However, in silico analysis predicts this variant likely does not alter the protein structure/function. Additionally, missense mutations in nearby residues have not been reported. Therefore, based on the currently available information, it is unclear whether this variant is a pathogenic mutation or a rare benign variant. The variant is found in EPILEPSY panel(s).

NM_198904.4(GABRG2):c.70A>G (p.Thr24Ala)

Gene: GABRG2 (gamma-aminobutyric acid type A receptor subunit gamma2; plus strand). Cytogenetic location: 5q34.
Variant type: single nucleotide variant.
Coding change: c.70A>G on transcript NM_198904.4 (MANE Select); coding-DNA position 70, A replaced by G.
Protein change: p.Thr24Ala; replaces threonine 24 with alanine.
Molecular consequence: missense variant. On other transcripts: 5 prime UTR variant (3), intron variant (1).
Genome position (GRCh38, 1-based): chr5:162,068,069, A>G. VCF-style: chr5-162068069-A-G. GRCh37 (hg19) VCF-style: chr5-161495075-A-G.
Other names: p.T24A:ACG>GCG; c.70A>G, p.Thr24Ala (NM_000816.3, NM_001375339.1, NM_001375340.1 and 5 more transcripts); c.4A>G, p.Thr2Ala (NM_001375345.1, NM_001375346.1); c.-289A>G (NM_001375348.1, NM_001375350.1); c.-337A>G (NM_001375349.1); c.20+428A>G (NM_001375347.1); short protein forms T24A, T2A.
Identifiers: ClinVar variation 205559 (VCV000205559.2), dbSNP rs796052516, ClinGen allele CA314762.